The following is an entry in ClinVar:

ClinVar aggregate classification (germline): Conflicting classifications of pathogenicity. Review status: criteria provided, conflicting classifications (1 of 4 stars). 7 submissions from 6 submitters: Uncertain significance (1); Benign (2); Likely benign (4). Last evaluated 2026-07-01.

Conditions:
Hereditary spherocytosis type 1. Also called: Spherocytosis type 1; ANK1-Related Spherocytosis. Identifiers: Orphanet 822, MedGen C2674218, MONDO:0008447, OMIM 182900.
Spherocytosis. Identifiers: MedGen C0553720, HP:0004444.

Allele frequency attached by ClinVar (database versions not stated): 1000 Genomes Project 0.00040; 1000 Genomes Project 30x 0.00047; gnomAD 0.00064 and 0.00067; gnomAD exomes 0.00072 and 0.00096; TOPMed 0.00077; ESP Exome Variant Server 0.00092; ExAC 0.00118.
gnomAD v4.1: 1,171 of 1,613,790 alleles (0.073%); highest among the groups gnomAD compares: Middle Eastern, 0.7%; 8 homozygotes.

Submissions (7):

CeGaT Center for Human Genetics Tuebingen
Classification: Likely benign. Last evaluated: 2026-07-01. Review status: criteria provided, single submitter. Criteria: CeGaT Center For Human Genetics Tuebingen Variant Classification Criteria Version 2. Collection method: clinical testing. Allele origin: germline. Affected: yes. Observed: 4 variant alleles.
Comment: ANK1: BP4

Labcorp Genetics (formerly Invitae), Labcorp
Classification: Benign. Last evaluated: 2026-01-27. Review status: criteria provided, single submitter. Criteria: Invitae Variant Classification Sherloc (09022015). Collection method: clinical testing. Allele origin: germline.

ARUP Laboratories, Molecular Genetics and Genomics, ARUP Laboratories
Classification: Benign for Hereditary spherocytosis type 1. Last evaluated: 2025-05-02. Review status: criteria provided, single submitter. Criteria: ARUP Molecular Germline Variant Investigation Process 2024. Collection method: clinical testing. Allele origin: germline.

Blueprint Genetics
Classification: Likely benign. Last evaluated: 2024-11-25. Review status: criteria provided, single submitter. Criteria: ACMG Guidelines, 2015. Collection method: clinical testing. Allele origin: germline.

Illumina Laboratory Services, Illumina
Classification: Uncertain significance for Spherocytosis. Last evaluated: 2018-01-12. Review status: criteria provided, single submitter. Criteria: ICSL Variant Classification Criteria 13 December 2019. Collection method: clinical testing. Allele origin: germline.

Illumina Laboratory Services, Illumina
Classification: Likely benign for Hereditary spherocytosis type 1. Last evaluated: 2018-01-12. Review status: criteria provided, single submitter. Criteria: ICSL Variant Classification Criteria 13 December 2019. Collection method: clinical testing. Allele origin: germline.
Comment: This variant was observed in the ICSL laboratory as part of a predisposition screen in an ostensibly healthy population. It had not been previously curated by ICSL or reported in the Human Gene Mutation Database (HGMD: prior to June 1st, 2018), and was therefore a candidate for classification through an automated scoring system. Utilizing variant allele frequency, disease prevalence and penetrance estimates, and inheritance mode, an automated score was calculated to assess if this variant is too frequent to cause the disease. Based on the score and internal cut-off values, a variant classified as likely benign is not then subjected to further curation. The score for this variant resulted in a classification of likely benign for this disease.

PreventionGenetics, part of Exact Sciences
Classification: Likely benign. Review status: criteria provided, single submitter. Criteria: ACMG Guidelines, 2015. Collection method: clinical testing. Allele origin: germline.

NM_000037.4(ANK1):c.2196+6G>A

Gene: ANK1 (ankyrin 1; minus strand). Cytogenetic location: 8p11.21.
Variant type: single nucleotide variant.
Coding change: c.2196+6G>A on transcript NM_000037.4 (MANE Select); 6 bases into the intron after coding-DNA position 2196, G replaced by A.
Molecular consequence: intron variant.
Genome position (GRCh38, 1-based): chr8:41,704,368, C>T on the plus strand (G>A on the coding strand, the complement: ANK1 is on the minus strand). VCF-style: chr8-41704368-C-T. GRCh37 (hg19) VCF-style: chr8-41561886-C-T.
Other names: c.2295+6G>A (NM_001142446.2); c.2196+6G>A (NM_020477.3, NM_020475.3, NM_020476.3).
Identifiers: ClinVar variation 261298 (VCV000261298.42), dbSNP rs200761553, ClinGen allele CA4728337.